The following is an entry in ClinVar:

NM_002235.5(KCNA6):c.298T>C (p.Tyr100His)

Genes: KCNA6 (potassium voltage-gated channel subfamily A member 6; plus strand), KCNA6-AS1 (KCNA6 antisense RNA 1; minus strand). Cytogenetic location: 12p13.32.
Variant type: single nucleotide variant.
Coding change: c.298T>C on transcript NM_002235.5 (MANE Select); coding-DNA position 298, T replaced by C.
Protein change: p.Tyr100His; replaces tyrosine 100 with histidine.
Molecular consequence: missense variant. On other transcripts: non-coding transcript variant (3).
Genome position (GRCh38, 1-based): chr12:4,810,339, T>C. VCF-style: chr12-4810339-T-C. GRCh37 (hg19) VCF-style: chr12-4919505-T-C.
Other names: short protein forms Y100H.
Identifiers: ClinVar variation 4536474 (VCV004536474.3).

ClinVar aggregate classification (germline): Uncertain significance. Review status: criteria provided, multiple submitters, no conflicts (2 of 4 stars). 2 submissions from 2 submitters: Uncertain significance (2). Last evaluated 2026-06-30.

Conditions:
Inborn genetic diseases. Identifiers: MedGen C0950123, MeSH D030342.

Submissions (2):

GeneDx
Classification: Uncertain significance. Last evaluated: 2026-06-30. Review status: criteria provided, single submitter. Criteria: GeneDx Variant Classification Process June 2021. Collection method: clinical testing. Allele origin: germline.
Comment: Not observed at significant frequency in large population cohorts (gnomAD); In silico analysis supports that this missense variant has a deleterious effect on protein structure/function; Has not been previously published as pathogenic or benign to our knowledge

Ambry Genetics
Classification: Uncertain significance for Inborn genetic diseases. Last evaluated: 2026-01-09. Review status: criteria provided, single submitter. Criteria: Ambry Variant Classification Scheme 2023. Collection method: clinical testing. Allele origin: germline.